The following is an entry in ClinVar:

ClinVar aggregate classification (germline): Uncertain significance (1 of 4 stars; one submission).

Allele frequency attached by ClinVar (database versions not stated): ExAC 0.00001.

Submission:

Labcorp Genetics (formerly Invitae), Labcorp
Classification: Uncertain significance. Last evaluated: 2025-10-25. Review status: criteria provided, single submitter. Criteria: Invitae Variant Classification Sherloc (09022015). Collection method: clinical testing. Allele origin: germline.
Comment: This sequence change replaces histidine, which is basic and polar, with tyrosine, which is neutral and polar, at codon 229 of the POLE protein (p.His229Tyr). This variant is present in population databases (rs776873547, gnomAD 0.003%). This variant has not been reported in the literature in individuals affected with POLE-related conditions. ClinVar contains an entry for this variant (Variation ID: 2057069). Invitae Evidence Modeling of protein sequence and biophysical properties (such as structural, functional, and spatial information, amino acid conservation, physicochemical variation, residue mobility, and thermodynamic stability) indicates that this missense variant is not expected to disrupt POLE protein function with a negative predictive value of 80%. In summary, the available evidence is currently insufficient to determine the role of this variant in disease. Therefore, it has been classified as a Variant of Uncertain Significance.

NM_006231.4(POLE):c.685C>T (p.His229Tyr)

Gene: POLE (DNA polymerase epsilon, catalytic subunit; minus strand). Cytogenetic location: 12q24.33.
Variant type: single nucleotide variant.
Coding change: c.685C>T on transcript NM_006231.4 (MANE Select); coding-DNA position 685, C replaced by T.
Protein change: p.His229Tyr; replaces histidine 229 with tyrosine.
Molecular consequence: missense variant.
Genome position (GRCh38, 1-based): chr12:132,677,613, G>A on the plus strand (C>T on the coding strand, the complement: POLE is on the minus strand). VCF-style: chr12-132677613-G-A. GRCh37 (hg19) VCF-style: chr12-133254199-G-A.
Other names: short protein forms H229Y.
Identifiers: ClinVar variation 2057069 (VCV002057069.4), dbSNP rs776873547, ClinGen allele CA6894240.